The following is an entry in ClinVar:

NM_032043.3(BRIP1):c.2479C>A (p.Gln827Lys)

Gene: BRIP1 (BRCA1 interacting DNA helicase 1; minus strand). Cytogenetic location: 17q23.2.
Variant type: single nucleotide variant.
Coding change: c.2479C>A on transcript NM_032043.3 (MANE Select); coding-DNA position 2479, C replaced by A.
Protein change: p.Gln827Lys; replaces glutamine 827 with lysine.
Molecular consequence: missense variant.
Genome position (GRCh38, 1-based): chr17:61,715,964, G>T on the plus strand (C>A on the coding strand, the complement: BRIP1 is on the minus strand). VCF-style: chr17-61715964-G-T. GRCh37 (hg19) VCF-style: chr17-59793325-G-T.
Other names: short protein forms Q827K.
Identifiers: ClinVar variation 187654 (VCV000187654.19), dbSNP rs786203898, ClinGen allele CA198205.

ClinVar aggregate classification (germline): Uncertain significance. Review status: criteria provided, multiple submitters, no conflicts (2 of 4 stars). 4 submissions from 4 submitters: Uncertain significance (4). Last evaluated 2025-07-13.

Conditions:
Familial cancer of breast. Also called: BREAST CANCER, FAMILIAL; Hereditary breast cancer; hereditary breast carcinoma. Identifiers: Orphanet 227535, MedGen C0346153, MONDO:0016419, OMIM 114480. Disease mechanism: loss of function.
Fanconi anemia complementation group J. Also called: BRIP1-Related Fanconi Anemia. Identifiers: Orphanet 84, MedGen C1836860, MONDO:0012187, OMIM 609054.
Hereditary cancer-predisposing syndrome. Also called: Hereditary Cancer Syndrome; Neoplastic Syndromes, Hereditary; Tumor predisposition; Hereditary neoplastic syndrome. Identifiers: Orphanet 140162, MedGen C0027672, MeSH D009386, MONDO:0015356.

Submissions (4):

Ambry Genetics
Classification: Uncertain significance for Hereditary cancer-predisposing syndrome. Last evaluated: 2025-07-13. Review status: criteria provided, single submitter. Criteria: Ambry Variant Classification Scheme 2023. Collection method: clinical testing. Allele origin: germline.
Comment: The p.Q827K variant (also known as c.2479C>A), located in coding exon 16 of the BRIP1 gene, results from a C to A substitution at nucleotide position 2479. The glutamine at codon 827 is replaced by lysine, an amino acid with similar properties. This amino acid position is highly conserved in available vertebrate species. In addition, this alteration is predicted to be deleterious by in silico analysis. Since supporting evidence is limited at this time, the clinical significance of this alteration remains unclear.

GeneDx
Classification: Uncertain significance. Last evaluated: 2025-01-28. Review status: criteria provided, single submitter. Criteria: GeneDx Variant Classification Process June 2021. Collection method: clinical testing. Allele origin: germline. Affected: yes.
Comment: Not observed at significant frequency in large population cohorts (gnomAD); In silico analysis supports that this missense variant has a deleterious effect on protein structure/function; Has not been previously published as pathogenic or benign to our knowledge; This variant is associated with the following publications: (PMID: 11301010)

Color Diagnostics, LLC DBA Color Health
Classification: Uncertain significance for Hereditary cancer-predisposing syndrome. Last evaluated: 2024-01-05. Review status: criteria provided, single submitter. Criteria: ACMG Guidelines, 2015. Collection method: clinical testing. Allele origin: germline.
Comment: This missense variant replaces glutamine with lysine at codon 827 of the BRIP1 protein. Computational prediction suggests that this variant may have deleterious impact on protein structure and function (internally defined REVEL score threshold >= 0.7, PMID: 27666373). To our knowledge, functional studies have not been reported for this variant. This variant has not been reported in individuals affected with BRIP1-related disorders in the literature. This variant has not been identified in the general population by the Genome Aggregation Database (gnomAD). The available evidence is insufficient to determine the role of this variant in disease conclusively. Therefore, this variant is classified as a Variant of Uncertain Significance.

Labcorp Genetics (formerly Invitae), Labcorp
Classification: Uncertain significance for Familial cancer of breast; Fanconi anemia complementation group J. Last evaluated: 2021-11-08. Review status: criteria provided, single submitter. Criteria: Invitae Variant Classification Sherloc (09022015). Collection method: clinical testing. Allele origin: germline.
Comment: In summary, the available evidence is currently insufficient to determine the role of this variant in disease. Therefore, it has been classified as a Variant of Uncertain Significance. Algorithms developed to predict the effect of missense changes on protein structure and function (SIFT, PolyPhen-2, Align-GVGD) all suggest that this variant is likely to be disruptive. ClinVar contains an entry for this variant (Variation ID: 187654). This variant has not been reported in the literature in individuals affected with BRIP1-related conditions. This variant is not present in population databases (gnomAD no frequency). This sequence change replaces glutamine, which is neutral and polar, with lysine, which is basic and polar, at codon 827 of the BRIP1 protein (p.Gln827Lys).